The following is an entry in ClinVar:

ClinVar aggregate classification (germline): Likely pathogenic (1 of 4 stars; one submission).

Conditions:
Van Maldergem syndrome 1 (VMLDS1). Also called: Van Maldergem syndrome 1 (VMLDS1). Identifiers: Orphanet 314679, MedGen C4551950, MONDO:0011070, OMIM 601390.

Allele frequency attached by ClinVar (database versions not stated): gnomAD exomes below 0.00001.

Submission:

MGZ Medical Genetics Center
Classification: Likely pathogenic for Van Maldergem syndrome 1. Last evaluated: 2021-11-11. Review status: criteria provided, single submitter. Criteria: ACMG Guidelines, 2015. Collection method: clinical testing. Allele origin: germline. Affected: yes. Observed: 1 variant allele.
Comment: ACMG criteria applied: PVS1, PM2_SUP

NM_003737.4(DCHS1):c.2500C>T (p.Arg834Ter)

Gene: DCHS1 (dachsous cadherin-related 1; minus strand). Cytogenetic location: 11p15.4.
Variant type: single nucleotide variant.
Coding change: c.2500C>T on transcript NM_003737.4 (MANE Select); coding-DNA position 2500, C replaced by T.
Protein change: p.Arg834Ter; replaces arginine 834 with a stop codon.
Molecular consequence: nonsense.
Genome position (GRCh38, 1-based): chr11:6,633,012, G>A on the plus strand (C>T on the coding strand, the complement: DCHS1 is on the minus strand). VCF-style: chr11-6633012-G-A. GRCh37 (hg19) VCF-style: chr11-6654243-G-A.
Other names: short protein forms R834*.
Identifiers: ClinVar variation 1710069 (VCV001710069.2), dbSNP rs1318661642, ClinGen allele CA379421166.